The following is an entry in ClinVar:

NM_207361.6(FREM2):c.6322dup (p.Ala2108fs)

Gene: FREM2 (FRAS1 related extracellular matrix 2; plus strand). Cytogenetic location: 13q13.3.
Variant type: Duplication.
Coding change: c.6322dup on transcript NM_207361.6 (MANE Select); coding-DNA position 6322, one base duplicated (G; older notation c.6322dupG).
Protein change: p.Ala2108fs; shifts the reading frame from alanine 2108.
Molecular consequence: frameshift variant.
Genome position (GRCh38, 1-based): chr13:38,848,613, G duplicated. VCF-style (leftmost placement, unchanged base first): chr13-38848612-C-CG. GRCh37 (hg19) VCF-style: chr13-39422749-C-CG.
Other names: short protein forms A2108fs.
Identifiers: ClinVar variation 2878983 (VCV002878983.3), dbSNP rs2541486773, ClinGen allele CA2622734495.
Genomic context (GRCh38, chr13:38,848,612, plus strand): 5'-TGGACAACCAGCGCTGGAGGGAATTGAGAAATTTGAACTGGTGCTTCGCATGCCTATGAA[C>CG]GCAGCCCTTGGCGAGCCCAGCAAAGCCACAGTGTCCATAAATGACTCTGTCTCCGATTGT-3'

ClinVar aggregate classification (germline): Pathogenic (1 of 4 stars; one submission).

Allele frequency attached by ClinVar (database versions not stated): gnomAD exomes below 0.00001.

Submission:

Labcorp Genetics (formerly Invitae), Labcorp
Classification: Pathogenic. Last evaluated: 2023-02-01. Review status: criteria provided, single submitter. Criteria: Invitae Variant Classification Sherloc (09022015). Collection method: clinical testing. Allele origin: germline.
Comment: This sequence change creates a premature translational stop signal (p.Ala2108Glyfs*15) in the FREM2 gene. It is expected to result in an absent or disrupted protein product. Loss-of-function variants in FREM2 are known to be pathogenic (PMID: 18203166, 26552811). This variant is not present in population databases (gnomAD no frequency). This variant has not been reported in the literature in individuals affected with FREM2-related conditions. For these reasons, this variant has been classified as Pathogenic.

Literature cited by the submitters: PubMed 18203166; PubMed 26552811.